The following is an entry in ClinVar:

NM_006096.4(NDRG1):c.813G>A (p.Glu271=)

Gene: NDRG1 (N-myc downstream regulated 1; minus strand). Cytogenetic location: 8q24.22.
Variant type: single nucleotide variant.
Coding change: c.813G>A on transcript NM_006096.4 (MANE Select); coding-DNA position 813, G replaced by A.
Protein change: p.Glu271=; no amino-acid change (glutamic acid 271 retained).
Molecular consequence: synonymous variant.
Genome position (GRCh38, 1-based): chr8:133,246,658, C>T on the plus strand (G>A on the coding strand, the complement: NDRG1 is on the minus strand). VCF-style: chr8-133246658-C-T. GRCh37 (hg19) VCF-style: chr8-134258901-C-T.
Other names: c.813G>A, p.Glu271= (NM_001135242.2, NM_001374845.1, NM_001374846.1); c.615G>A, p.Glu205= (NM_001258432.2, NM_001374847.1); c.570G>A, p.Glu190= (NM_001258433.2); c.864G>A, p.Glu288= (NM_001374844.1).
Identifiers: ClinVar variation 543504 (VCV000543504.12), dbSNP rs368468160, ClinGen allele CA4886554.

ClinVar aggregate classification (germline): Likely benign. Review status: criteria provided, multiple submitters, no conflicts (2 of 4 stars). 2 submissions from 2 submitters: Likely benign (2). Last evaluated 2026-05-05.

Conditions:
Charcot-Marie-Tooth disease type 4. Also called: Charcot-Marie-Tooth disease, type IV; Charcot-Marie-Tooth, Type 4. Identifiers: Orphanet 64749, MedGen C4082197, MONDO:0018995.
NDRG1-related disorder. Also called: NDRG1-related condition.

Allele frequency attached by ClinVar (database versions not stated): TOPMed 0.00001; ExAC 0.00002; gnomAD exomes 0.00002; gnomAD 0.00003; ESP Exome Variant Server 0.00008.
gnomAD v4.1: 14 of 1,614,072 alleles (0.00087%); highest among the groups gnomAD compares: African/African-American, 0.004%; no homozygotes.

Submissions (2):

PreventionGenetics, part of Exact Sciences
Classification: Likely benign for NDRG1-related condition. Last evaluated: 2026-05-05. Review status: criteria provided, single submitter. Criteria: ACMG Guidelines, 2015. Collection method: clinical testing. Allele origin: germline.
Comment: This variant is classified as likely benign based on ACMG/AMP sequence variant interpretation guidelines (Richards et al. 2015 PMID: 25741868, with internal and published modifications).

Labcorp Genetics (formerly Invitae), Labcorp
Classification: Likely benign for Charcot-Marie-Tooth disease type 4. Last evaluated: 2023-12-19. Review status: criteria provided, single submitter. Criteria: Invitae Variant Classification Sherloc (09022015). Collection method: clinical testing. Allele origin: germline.